The following is an entry in ClinVar:

NM_006204.4(PDE6C):c.2425A>C (p.Arg809=)

Gene: PDE6C (phosphodiesterase 6C; plus strand). Cytogenetic location: 10q23.33.
Variant type: single nucleotide variant.
Coding change: c.2425A>C on transcript NM_006204.4 (MANE Select); coding-DNA position 2425, A replaced by C.
Protein change: p.Arg809=; no amino-acid change (arginine 809 retained).
Molecular consequence: synonymous variant.
Genome position (GRCh38, 1-based): chr10:93,663,085, A>C. VCF-style: chr10-93663085-A-C. GRCh37 (hg19) VCF-style: chr10-95422842-A-C.
Identifiers: ClinVar variation 301642 (VCV000301642.50), dbSNP rs1051926, ClinGen allele CA5610496.

ClinVar aggregate classification (germline): Conflicting classifications of pathogenicity. Review status: criteria provided, conflicting classifications (1 of 4 stars). 7 submissions from 6 submitters: Uncertain significance (2); Likely benign (3). 2 of the submissions do not count toward it. Last evaluated 2026-01-18.

Conditions:
Achromatopsia. Also called: Rod monochromatism. Identifiers: Orphanet 49382, MedGen C0152200, MONDO:0018852, HP:0011516.
Cone dystrophy 4 (COD4). Identifiers: Orphanet 49382, MedGen C2751308, MONDO:0013129, OMIM 613093.

Allele frequency attached by ClinVar (database versions not stated): gnomAD exomes 0.00090 and 0.00128; ESP Exome Variant Server 0.00092; gnomAD 0.00104 and 0.00113; 1000 Genomes Project 30x 0.00125; TOPMed 0.00127; ExAC 0.00134; 1000 Genomes Project 0.00140.
gnomAD v4.1: 1,536 of 1,613,346 alleles (0.095%); highest among the groups gnomAD compares: Middle Eastern, 0.73%; 5 homozygotes.

Submissions (7):

Labcorp Genetics (formerly Invitae), Labcorp
Classification: Likely benign. Last evaluated: 2026-01-18. Review status: criteria provided, single submitter. Criteria: Invitae Variant Classification Sherloc (09022015). Collection method: clinical testing. Allele origin: germline.

Blueprint Genetics
Classification: Likely benign. Last evaluated: 2024-11-08. Review status: criteria provided, single submitter. Criteria: ACMG Guidelines, 2015. Collection method: clinical testing. Allele origin: germline.

CeGaT Center for Human Genetics Tuebingen
Classification: Likely benign. Last evaluated: 2023-02-01. Review status: criteria provided, single submitter. Criteria: CeGaT Center For Human Genetics Tuebingen Variant Classification Criteria Version 2. Collection method: clinical testing. Allele origin: germline. Affected: yes. Observed: 4 variant alleles.
Comment: PDE6C: BP4, BP7

Illumina Laboratory Services, Illumina
Classification: Uncertain significance for Cone dystrophy 4. Last evaluated: 2018-01-12. Review status: criteria provided, single submitter. Criteria: ICSL Variant Classification Criteria 13 December 2019. Collection method: clinical testing. Allele origin: germline.

Illumina Laboratory Services, Illumina
Classification: Uncertain significance for Achromatopsia. Last evaluated: 2018-01-12. Review status: criteria provided, single submitter. Criteria: ICSL Variant Classification Criteria 13 December 2019. Collection method: clinical testing. Allele origin: germline.

Clinical Genetics DNA and cytogenetics Diagnostics Lab, Erasmus MC, Erasmus Medical Center
Classification: Likely benign. Review status: no assertion criteria provided. Collection method: clinical testing. Allele origin: germline. Affected: yes. Study: VKGL Data-share Consensus. Not counted in ClinVar's aggregate classification.

Clinical Genetics, Academic Medical Center
Classification: Benign. Review status: no assertion criteria provided. Collection method: clinical testing. Allele origin: germline. Affected: yes. Study: VKGL Data-share Consensus. Not counted in ClinVar's aggregate classification.